The following is an entry in ClinVar:

NM_001351169.2(NT5C2):c.1678GAA[3] (p.Glu561_Ter562insGlu)

Genes: CNNM2 (cyclin and CBS domain divalent metal cation transport mediator 2; plus strand), NT5C2 (5'-nucleotidase, cytosolic II; minus strand). Cytogenetic location: 10q24.32.
Variant type: Microsatellite.
Coding change: c.1678GAA[3] on transcript NM_001351169.2 (MANE Select); three copies in a row of the 3-base unit GAA starting at c.1678; the reference has two copies in a row; one copy, 3 bases duplicated.
Protein change: p.Glu561_Ter562insGlu.
Molecular consequence: inframe insertion. On other transcripts: 3 prime UTR variant (2).
Genome position (GRCh38, 1-based): chr10:103,089,675-103,089,677, TTC duplicated on the plus strand (GAA on the coding strand, the reverse complement: NT5C2 is on the minus strand); duplicating any 3 consecutive bases within chr10:103,089,675-103,089,680 gives the same sequence; the position shown is the placement nearest the transcript's 3' end. VCF-style (leftmost placement, unchanged base first): chr10-103089674-A-ATTC. GRCh37 (hg19) VCF-style: chr10-104849431-A-ATTC.
Other names: c.1678GAA[3], p.Glu561_Ter562insGlu (NM_001134373.3, NM_012229.5); c.1702GAA[3], p.Glu569_Ter570insGlu (NM_001351170.2, NM_001351171.2, NM_001351172.2 and 1 more transcripts); c.1591GAA[3], p.Glu532_Ter533insGlu (NM_001351174.1); c.1585GAA[3], p.Glu530_Ter531insGlu (NM_001351175.2); c.1105GAA[3], p.Glu370_Ter371insGlu (NM_001351176.2, NM_001351177.2, NM_001351178.2 and 16 more transcripts); c.964GAA[3], p.Glu323_Ter324insGlu (NM_001351194.2, NM_001351195.2, NM_001351196.2); c.*12495TTC[3] (NM_017649.5, NM_199076.3).
Identifiers: ClinVar variation 1946779 (VCV001946779.5), dbSNP rs1234787055, ClinGen allele CA595687667.

ClinVar aggregate classification (germline): Uncertain significance (1 of 4 stars; one submission).

Conditions:
Hereditary spastic paraplegia 45. Also called: Spastic paraplegia 45, autosomal recessive; SPASTIC PARAPLEGIA 45. Identifiers: Orphanet 320396, MedGen C3888209, MONDO:0013165, OMIM 613162.

Submission:

Labcorp Genetics (formerly Invitae), Labcorp
Classification: Uncertain significance for Hereditary spastic paraplegia 45. Last evaluated: 2022-07-29. Review status: criteria provided, single submitter. Criteria: Invitae Variant Classification Sherloc (09022015). Collection method: clinical testing. Allele origin: germline.
Comment: In summary, the available evidence is currently insufficient to determine the role of this variant in disease. Therefore, it has been classified as a Variant of Uncertain Significance. This sequence change disrupts the translational stop signal of the NT5C2 mRNA. It is expected to extend the length of the NT5C2 protein by 1 additional amino acid residues. This variant is present in population databases (no rsID available, gnomAD 0.01%). This variant has not been reported in the literature in individuals affected with NT5C2-related conditions. Experimental studies and prediction algorithms are not available or were not evaluated, and the functional significance of this variant is currently unknown.